The following is an entry in ClinVar:

ClinVar aggregate classification (germline): Uncertain significance (1 of 4 stars; one submission).

Submission:

CeGaT Center for Human Genetics Tuebingen
Classification: Uncertain significance. Last evaluated: 2022-09-01. Review status: criteria provided, single submitter. Criteria: CeGaT Center For Human Genetics Tuebingen Variant Classification Criteria Version 2. Collection method: clinical testing. Allele origin: germline. Affected: yes. Observed: 1 variant allele.
Comment: AFG3L2: PM2, PP3

NM_006796.3(AFG3L2):c.632A>G (p.Tyr211Cys)

Gene: AFG3L2 (AFG3 like matrix AAA peptidase subunit 2; minus strand). Cytogenetic location: 18p11.21.
Variant type: single nucleotide variant.
Coding change: c.632A>G on transcript NM_006796.3 (MANE Select); coding-DNA position 632, A replaced by G.
Protein change: p.Tyr211Cys; replaces tyrosine 211 with cysteine.
Molecular consequence: missense variant.
Genome position (GRCh38, 1-based): chr18:12,360,047, T>C on the plus strand (A>G on the coding strand, the complement: AFG3L2 is on the minus strand). VCF-style: chr18-12360047-T-C. GRCh37 (hg19) VCF-style: chr18-12360046-T-C.
Other names: short protein forms Y211C.
Identifiers: ClinVar variation 2648599 (VCV002648599.24), dbSNP rs2510230951, ClinGen allele CA401954239.
Genomic context (GRCh38, chr18:12,360,047, plus strand): 5'-TGCTGTAAAGTTTCCAGATTCCGTTCAAAGGTGTCCACACTGCCAATATTAAACCAAACG[T>C]ATTGCTATAAAAACAAAAAAACAAATATCCTAAGAATGTAGTGAAACTAAAAGGTTCAAT-3'
Protein context (NP_006787.2, residues 201-221): TPGKTPVDGQ[Tyr211Cys]VWFNIGSVDT